The following is an entry in ClinVar:

ClinVar aggregate classification (germline): Uncertain significance. Review status: criteria provided, multiple submitters, no conflicts (2 of 4 stars). 2 submissions from 2 submitters: Uncertain significance (2). Last evaluated 2025-06-16.

Conditions:
Wilson disease (WND). Also called: Wilson's disease. Identifiers: Orphanet 905, MedGen C0019202, MONDO:0010200, OMIM 277900. Disease mechanism: loss of function.

Allele frequency attached by ClinVar (database versions not stated): gnomAD exomes 0.00001.
gnomAD v4.1: 12 of 1,614,218 alleles (0.00074%); highest among the groups gnomAD compares: Non-Finnish European, 0.001%; no homozygotes.

Submissions (2):

Labcorp Genetics (formerly Invitae), Labcorp
Classification: Uncertain significance for Wilson disease. Last evaluated: 2025-06-16. Review status: criteria provided, single submitter. Criteria: Invitae Variant Classification Sherloc (09022015). Collection method: clinical testing. Allele origin: germline.
Comment: This sequence change replaces methionine, which is neutral and non-polar, with isoleucine, which is neutral and non-polar, at codon 908 of the ATP7B protein (p.Met908Ile). This variant is not present in population databases (gnomAD no frequency). This variant has not been reported in the literature in individuals affected with ATP7B-related conditions. ClinVar contains an entry for this variant (Variation ID: 1414874). Invitae Evidence Modeling of protein sequence and biophysical properties (such as structural, functional, and spatial information, amino acid conservation, physicochemical variation, residue mobility, and thermodynamic stability) indicates that this missense variant is not expected to disrupt ATP7B protein function with a negative predictive value of 80%. In summary, the available evidence is currently insufficient to determine the role of this variant in disease. Therefore, it has been classified as a Variant of Uncertain Significance.

All of Us Research Program, National Institutes of Health
Classification: Uncertain significance for Wilson disease. Last evaluated: 2023-08-15. Review status: criteria provided, single submitter. Criteria: ACMG Guidelines, 2015. Collection method: clinical testing. Allele origin: germline. Inheritance: Autosomal recessive inheritance. Observed: 1 variant allele, 1 heterozygote.
Comment: This missense variant replaces methionine with isoleucine at codon 908 of the ATP7B protein. Computational prediction suggests that this variant may not impact protein structure and function (internally defined REVEL score threshold <= 0.5, PMID: 27666373). To our knowledge, functional studies have not been reported for this variant. This variant has not been reported in individuals affected with ATP7B-related disorders in the literature. This variant has not been identified in the general population by the Genome Aggregation Database (gnomAD). The available evidence is insufficient to determine the role of this variant in disease conclusively. Therefore, this variant is classified as a Variant of Uncertain Significance.

This study involves interpretation of variants in research participants for the purpose of population health screening. Participant phenotype was not available at the time of variant classification. Additional details can be found in publication PMID: 35346344, PMCID: PMC8962531

NM_000053.4(ATP7B):c.2724G>A (p.Met908Ile)

Gene: ATP7B (ATPase copper transporting beta; minus strand). Cytogenetic location: 13q14.3.
Variant type: single nucleotide variant.
Coding change: c.2724G>A on transcript NM_000053.4 (MANE Select); coding-DNA position 2724, G replaced by A.
Protein change: p.Met908Ile; replaces methionine 908 with isoleucine.
Molecular consequence: missense variant.
Genome position (GRCh38, 1-based): chr13:51,950,013, C>T on the plus strand (G>A on the coding strand, the complement: ATP7B is on the minus strand). VCF-style: chr13-51950013-C-T. GRCh37 (hg19) VCF-style: chr13-52524149-C-T.
Other names: c.2238G>A, p.Met746Ile (NM_001005918.3); c.2391G>A, p.Met797Ile (NM_001243182.2); c.2490G>A, p.Met830Ile (NM_001330578.2); c.2472G>A, p.Met824Ile (NM_001330579.2); short protein forms M797I, M908I, M824I, M830I, M746I.
Identifiers: ClinVar variation 1414874 (VCV001414874.7), dbSNP rs2139201407, ClinGen allele CA388034089.
Genomic context (GRCh38, chr13:51,950,013, plus strand): 5'-ACATAATTTCTAAAACGAGAAAGATGAAGTTAGTTTTAAAAATTTCTTCATTACCTTTGA[C>T]ATCTGAGCCTCTTCCACCAGTTTCACAATCTGAGCCAAAGTGGTGTCATTGCCCACGTGG-3'
Protein context (NP_000044.2, residues 898-918): QIVKLVEEAQ[Met908Ile]SKAPIQQLAD